The following is an entry in ClinVar:

NM_005529.7(HSPG2):c.9259G>A (p.Gly3087Ser)

Gene: HSPG2 (heparan sulfate proteoglycan 2; minus strand). Cytogenetic location: 1p36.12.
Variant type: single nucleotide variant.
Coding change: c.9259G>A on transcript NM_005529.7 (MANE Select); coding-DNA position 9259, G replaced by A.
Protein change: p.Gly3087Ser; replaces glycine 3087 with serine.
Molecular consequence: missense variant.
Genome position (GRCh38, 1-based): chr1:21,841,608, C>T on the plus strand (G>A on the coding strand, the complement: HSPG2 is on the minus strand). VCF-style: chr1-21841608-C-T. GRCh37 (hg19) VCF-style: chr1-22168101-C-T.
Other names: c.9262G>A, p.Gly3088Ser (NM_001291860.2); short protein forms G3087S, G3088S.
Identifiers: ClinVar variation 5020732 (VCV005020732.1).

ClinVar aggregate classification (germline): Uncertain significance (1 of 4 stars; one submission).

gnomAD v4.1: 4 of 1,614,168 alleles (0.00025%); highest among the groups gnomAD compares: African/African-American, 0.0013%; no homozygotes.

Submission:

Dasa
Classification: Uncertain significance. Last evaluated: 2026-01-16. Review status: criteria provided, single submitter. Criteria: DASA Assertion Criteria. Collection method: clinical testing. Allele origin: germline.
Comment: NM_005529.7(HSPG2):c.9259G>A (p.Gly3087Ser) is a missense variant that results in the substitution of glycine with serine. This variant is rare in population databases. Computational prediction algorithms are consistent with a deleterious effect. The currently available literature and clinical evidence are not sufficient to establish a definitive association between this variant and the reported condition. Therefore, this variant is classified as a variant of uncertain significance.